The following is an entry in ClinVar:

ClinVar aggregate classification (germline): Conflicting classifications of pathogenicity. Review status: criteria provided, conflicting classifications (1 of 4 stars). 2 submissions from 2 submitters: Likely risk allele (1); Uncertain significance (1). Last evaluated 2023-02-13.

Conditions:
Wolfram syndrome 1 (WFS1). Identifiers: Orphanet 3463, MedGen C4551693, MONDO:0009101, OMIM 222300.

Allele frequency attached by ClinVar (database versions not stated): gnomAD 0.00002.
gnomAD v4.1: 3 of 1,613,970 alleles (0.00019%); highest among the groups gnomAD compares: Non-Finnish European, 0.00025%; no homozygotes.

Submissions (2):

Labcorp Genetics (formerly Invitae), Labcorp
Classification: Uncertain significance. Last evaluated: 2023-02-13. Review status: criteria provided, single submitter. Criteria: Invitae Variant Classification Sherloc (09022015). Collection method: clinical testing. Allele origin: germline.
Comment: In summary, the available evidence is currently insufficient to determine the role of this variant in disease. Therefore, it has been classified as a Variant of Uncertain Significance. Advanced modeling of protein sequence and biophysical properties (such as structural, functional, and spatial information, amino acid conservation, physicochemical variation, residue mobility, and thermodynamic stability) performed at Invitae indicates that this missense variant is not expected to disrupt WFS1 protein function. ClinVar contains an entry for this variant (Variation ID: 1810357). This variant has not been reported in the literature in individuals affected with WFS1-related conditions. This variant is not present in population databases (gnomAD no frequency). This sequence change replaces aspartic acid, which is acidic and polar, with tyrosine, which is neutral and polar, at codon 367 of the WFS1 protein (p.Asp367Tyr).

Clinical Genomics, Uppaluri K&H Personalized Medicine Clinic
Classification: Likely risk allele for Wolfram syndrome 1. Review status: criteria provided, single submitter. Criteria: K & H Uppaluri Personalized Medicine Clinic Variant Classification & Assertion Criteria_Updated V.1. Collection method: research. Allele origin: unknown. Inheritance: Autosomal recessive inheritance.
Comment: Potent mutations in WFS1 gene are associated with Wolfram's syndrome, an autosomal recessive condition, which cause diabetes mellitus, diabetes insipidus, deafness and optic atrophy.However no sufficient evidence is found to ascertain the role of this particular variant rs886059528 in Wolfram's syndrome yet.

Literature cited by the submitters: PubMed 20738327 (cited by Clinical Genomics, Uppaluri K&H Personalized Medicine Clinic); PubMed 33879153 (cited by Clinical Genomics, Uppaluri K&H Personalized Medicine Clinic); PubMed 12955714 (cited by Clinical Genomics, Uppaluri K&H Personalized Medicine Clinic); PubMed 18060660 (cited by Clinical Genomics, Uppaluri K&H Personalized Medicine Clinic); PubMed 20301750 (cited by Clinical Genomics, Uppaluri K&H Personalized Medicine Clinic); PubMed 17603484 (cited by Clinical Genomics, Uppaluri K&H Personalized Medicine Clinic).

NM_006005.3(WFS1):c.1099G>T (p.Asp367Tyr)

Gene: WFS1 (wolframin ER transmembrane glycoprotein; plus strand). Cytogenetic location: 4p16.1.
Variant type: single nucleotide variant.
Coding change: c.1099G>T on transcript NM_006005.3 (MANE Select); coding-DNA position 1099, G replaced by T.
Protein change: p.Asp367Tyr; replaces aspartic acid 367 with tyrosine.
Molecular consequence: missense variant.
Genome position (GRCh38, 1-based): chr4:6,300,894, G>T. VCF-style: chr4-6300894-G-T. GRCh37 (hg19) VCF-style: chr4-6302621-G-T.
Other names: c.1099G>T, p.Asp367Tyr (NM_001145853.1); short protein forms D367Y.
Identifiers: ClinVar variation 1810357 (VCV001810357.4), dbSNP rs886059528, ClinGen allele CA356174253.